The following is an entry in ClinVar:

NM_001322934.2(NFKB2):c.1375C>G (p.Arg459Gly)

Gene: NFKB2 (nuclear factor kappa B subunit 2; plus strand). Cytogenetic location: 10q24.32.
Variant type: single nucleotide variant.
Coding change: c.1375C>G on transcript NM_001322934.2 (MANE Select); coding-DNA position 1375, C replaced by G.
Protein change: p.Arg459Gly; replaces arginine 459 with glycine.
Molecular consequence: missense variant.
Genome position (GRCh38, 1-based): chr10:102,399,624, C>G. VCF-style: chr10-102399624-C-G. GRCh37 (hg19) VCF-style: chr10-104159381-C-G.
Other names: c.1375C>G, p.Arg459Gly (NM_001077493.1, NM_001077494.3, NM_001261403.3 and 2 more transcripts); c.1249C>G, p.Arg417Gly (NM_001322935.1); short protein forms R459G, R417G.
Identifiers: ClinVar variation 1901101 (VCV001901101.7), dbSNP rs1436073527, ClinGen allele CA377899487.
Genomic context (GRCh38, chr10:102,399,624, plus strand): 5'-CTGTGGCCCGTAGCTCGAGAGTACAACGCGCGCCTGTTCGGCCTGGCGCAGCGCAGCGCC[C>G]GAGCCCTACTCGACTACGGCGTCACCGCGGACGCGCGCGCGCTGCTGGCGGGACAGCGCC-3'
Protein context (NP_001309863.1, residues 449-469): RLFGLAQRSA[Arg459Gly]ALLDYGVTAD

ClinVar aggregate classification (germline): Uncertain significance. Review status: criteria provided, multiple submitters, no conflicts (2 of 4 stars). 3 submissions from 3 submitters: Uncertain significance (3). Last evaluated 2024-11-12.

Conditions:
Immunodeficiency, common variable, 10. Also called: IMMUNODEFICIENCY, COMMON VARIABLE, WITH CENTRAL ADRENAL INSUFFICIENCY; DEFICIT IN ANTERIOR PITUITARY FUNCTION AND VARIABLE IMMUNODEFICIENCY. Identifiers: MedGen C3809991, MONDO:0014260, OMIM 615577.
NFKB2-related disorder. Also called: NFKB2-related condition.

Allele frequency attached by ClinVar (database versions not stated): TOPMed below 0.00001.
gnomAD v4.1: 7 of 1,545,936 alleles (0.00045%); highest among the groups gnomAD compares: South Asian, 0.0024%; no homozygotes.

Submissions (3):

PreventionGenetics, part of Exact Sciences
Classification: Uncertain significance for NFKB2-related condition. Last evaluated: 2024-11-12. Review status: criteria provided, single submitter. Criteria: ACMG Guidelines, 2015. Collection method: clinical testing. Allele origin: germline.
Comment: The NFKB2 c.1375C>G variant is predicted to result in the amino acid substitution p.Arg459Gly. To our knowledge, this variant has not been reported in the literature or in a large population database (gnomAD), indicating this variant is rare. At this time, the clinical significance of this variant is uncertain due to the absence of conclusive functional and genetic evidence.

Blueprint Genetics
Classification: Uncertain significance. Last evaluated: 2024-06-12. Review status: criteria provided, single submitter. Criteria: ACMG Guidelines, 2015. Collection method: clinical testing. Allele origin: germline.

Labcorp Genetics (formerly Invitae), Labcorp
Classification: Uncertain significance for Immunodeficiency, common variable, 10. Last evaluated: 2022-05-15. Review status: criteria provided, single submitter. Criteria: Invitae Variant Classification Sherloc (09022015). Collection method: clinical testing. Allele origin: germline.
Comment: Algorithms developed to predict the effect of missense changes on protein structure and function (SIFT, PolyPhen-2, Align-GVGD) all suggest that this variant is likely to be tolerated. This variant has not been reported in the literature in individuals affected with NFKB2-related conditions. This variant is not present in population databases (gnomAD no frequency). This sequence change replaces arginine, which is basic and polar, with glycine, which is neutral and non-polar, at codon 459 of the NFKB2 protein (p.Arg459Gly). In summary, the available evidence is currently insufficient to determine the role of this variant in disease. Therefore, it has been classified as a Variant of Uncertain Significance.